The following is an entry in ClinVar:

NM_014633.5(CTR9):c.3352G>A (p.Glu1118Lys)

Gene: CTR9 (CTR9 component of Paf1/RNA polymerase II complex; plus strand). Cytogenetic location: 11p15.4.
Variant type: single nucleotide variant.
Coding change: c.3352G>A on transcript NM_014633.5 (MANE Select); coding-DNA position 3352, G replaced by A.
Protein change: p.Glu1118Lys; replaces glutamic acid 1118 with lysine.
Molecular consequence: missense variant.
Genome position (GRCh38, 1-based): chr11:10,778,935, G>A. VCF-style: chr11-10778935-G-A. GRCh37 (hg19) VCF-style: chr11-10800482-G-A.
Other names: c.3280G>A, p.Glu1094Lys (NM_001346279.2); short protein forms E1094K, E1118K.
Identifiers: ClinVar variation 2776793 (VCV002776793.3), dbSNP rs2539397960, ClinGen allele CA379679591.

ClinVar aggregate classification (germline): Uncertain significance (1 of 4 stars; one submission).

Submission:

Labcorp Genetics (formerly Invitae), Labcorp
Classification: Uncertain significance. Last evaluated: 2023-01-14. Review status: criteria provided, single submitter. Criteria: Invitae Variant Classification Sherloc (09022015). Collection method: clinical testing. Allele origin: germline.
Comment: This sequence change replaces glutamic acid, which is acidic and polar, with lysine, which is basic and polar, at codon 1118 of the CTR9 protein (p.Glu1118Lys). In summary, the available evidence is currently insufficient to determine the role of this variant in disease. Therefore, it has been classified as a Variant of Uncertain Significance. Algorithms developed to predict the effect of missense changes on protein structure and function (SIFT, PolyPhen-2, Align-GVGD) all suggest that this variant is likely to be tolerated. This variant has not been reported in the literature in individuals affected with CTR9-related conditions. This variant is not present in population databases (gnomAD no frequency).